The following is an entry in ClinVar:

NM_001127178.3(PIGG):c.2423T>C (p.Leu808Pro)

Gene: PIGG (phosphatidylinositol glycan anchor biosynthesis class G (EMM blood group); plus strand). Cytogenetic location: 4p16.3.
Variant type: single nucleotide variant.
Coding change: c.2423T>C on transcript NM_001127178.3 (MANE Select); coding-DNA position 2423, T replaced by C.
Protein change: p.Leu808Pro; replaces leucine 808 with proline.
Molecular consequence: missense variant. On other transcripts: non-coding transcript variant (6).
Genome position (GRCh38, 1-based): chr4:530,597, T>C. VCF-style: chr4-530597-T-C. GRCh37 (hg19) VCF-style: chr4-524386-T-C.
Other names: c.2156T>C, p.Leu719Pro (NM_001289051.2, NM_001345986.2); c.2024T>C, p.Leu675Pro (NM_001289052.2); c.2132T>C, p.Leu711Pro (NM_001345987.2); c.1394T>C, p.Leu465Pro (NM_001345988.2); c.890T>C, p.Leu297Pro (NM_001345990.2, NM_001345991.2); c.1325T>C, p.Leu442Pro (NM_001345994.2); c.2399T>C, p.Leu800Pro (NM_017733.5); short protein forms L808P, L442P, L465P, L800P, L675P, L297P, L711P, L719P.
Identifiers: ClinVar variation 2141892 (VCV002141892.1), dbSNP rs758901576, ClinGen allele CA2793632.

ClinVar aggregate classification (germline): Uncertain significance (1 of 4 stars; one submission).

Conditions:
Intellectual disability, autosomal recessive 53 (NEDHSCA). Also called: NEURODEVELOPMENTAL DISORDER WITH OR WITHOUT HYPOTONIA, SEIZURES, AND CEREBELLAR ATROPHY; GLYCOSYLPHOSPHATIDYLINOSITOL BIOSYNTHESIS DEFECT 13; Mental retardation, autosomal recessive 53. Identifiers: Orphanet 488635, MedGen C4310794, MONDO:0014832, OMIM 616917.

Allele frequency attached by ClinVar (database versions not stated): TOPMed below 0.00001; ExAC 0.00002; gnomAD exomes 0.00002.
gnomAD v4.1: 35 of 1,614,062 alleles (0.0022%); highest among the groups gnomAD compares: Non-Finnish European, 0.003%; no homozygotes.

Submission:

Labcorp Genetics (formerly Invitae), Labcorp
Classification: Uncertain significance for Intellectual disability, autosomal recessive 53. Last evaluated: 2022-08-15. Review status: criteria provided, single submitter. Criteria: Invitae Variant Classification Sherloc (09022015). Collection method: clinical testing. Allele origin: germline.
Comment: This sequence change replaces leucine, which is neutral and non-polar, with proline, which is neutral and non-polar, at codon 808 of the PIGG protein (p.Leu808Pro). This variant is present in population databases (rs758901576, gnomAD 0.004%). This variant has not been reported in the literature in individuals affected with PIGG-related conditions. Algorithms developed to predict the effect of missense changes on protein structure and function are either unavailable or do not agree on the potential impact of this missense change (SIFT: "Deleterious"; PolyPhen-2: "Probably Damaging"; Align-GVGD: "Class C0"). In summary, the available evidence is currently insufficient to determine the role of this variant in disease. Therefore, it has been classified as a Variant of Uncertain Significance.